The following is an entry in ClinVar:

ClinVar aggregate classification (germline): Uncertain significance (1 of 4 stars; one submission).

Conditions:
Sifrim-Hitz-Weiss syndrome (SIHIWES). Also called: CHD4 Neurodevelopmental Disorder; SIFRIM-HITZ-WEISS MULTIPLE CONGENITAL ANOMALIES-MENTAL RETARDATION SYNDROME. Identifiers: Orphanet 653712, MedGen C4310688, MONDO:0014946, OMIM 617159.

Submission:

Victorian Clinical Genetics Services, Murdoch Childrens Research Institute
Classification: Uncertain significance for Sifrim-Hitz-Weiss syndrome. Last evaluated: 2021-05-06. Review status: criteria provided, single submitter. Criteria: ACMG Guidelines, 2015. Collection method: clinical testing. Allele origin: germline. Inheritance: Autosomal dominant inheritance. Affected: yes.
Comment: Based on the classification scheme VCGS_Germline_v1.3.4, this variant is classified as VUS-3A. Following criteria are met: 0102 - Loss of function is a known mechanism of disease in this gene and is associated with Sifrim-Hitz-Weiss syndrome (MIM#617159). (I) 0107 - This gene is associated with autosomal dominant disease. (I) 0115 - Variants in this gene are known to have variable expressivity. Intellectual disability, developmental and speech delay are the most common features (PMID: 31388190). (I) 0200 - Variant is predicted to result in a missense amino acid change from alanine to valine. (I) 0251 - This variant is heterozygous. (I) 0301 - Variant is absent from gnomAD (both v2 and v3). (SP) 0502 - Missense variant with conflicting in silico predictions and uninformative conservation. (I) 0603 - Missense variant in a region that is highly intolerant to missense variation (high constraint region in DECIPHER). (SP) 0705 - No comparable missense variants have previous evidence for pathogenicity. (I) 0807 - This variant has no previous evidence of pathogenicity. (I) 0905 - No published segregation evidence has been identified for this variant. (I) 1007 - No published functional evidence has been identified for this variant. (SP) Legend: (SP) - Supporting pathogenic, (I) - Information, (SB) - Supporting benign

Literature cited by the submitters: PubMed 31388190.

NM_001273.5(CHD4):c.3407C>T (p.Ala1136Val)

Gene: CHD4 (chromodomain helicase DNA binding protein 4; minus strand). Cytogenetic location: 12p13.31.
Variant type: single nucleotide variant.
Coding change: c.3407C>T on transcript NM_001273.5 (MANE Select); coding-DNA position 3407, C replaced by T.
Protein change: p.Ala1136Val; replaces alanine 1136 with valine.
Molecular consequence: missense variant.
Genome position (GRCh38, 1-based): chr12:6,588,356, G>A on the plus strand (C>T on the coding strand, the complement: CHD4 is on the minus strand). VCF-style: chr12-6588356-G-A. GRCh37 (hg19) VCF-style: chr12-6697522-G-A.
Other names: c.3386C>T, p.Ala1129Val (NM_001297553.2); c.3368C>T, p.Ala1123Val (NM_001363606.2); short protein forms A1123V, A1129V, A1136V.
Identifiers: ClinVar variation 1804941 (VCV001804941.2), dbSNP rs2540391118, ClinGen allele CA383582777.